The following is an entry in ClinVar:

NM_001040142.2(SCN2A):c.360A>G (p.Lys120=)

Gene: SCN2A (sodium voltage-gated channel alpha subunit 2; plus strand). Cytogenetic location: 2q24.3.
Variant type: single nucleotide variant.
Coding change: c.360A>G on transcript NM_001040142.2 (MANE Select); coding-DNA position 360, A replaced by G.
Protein change: p.Lys120=; no amino-acid change (lysine 120 retained).
Molecular consequence: synonymous variant.
Genome position (GRCh38, 1-based): chr2:165,297,109, A>G. VCF-style: chr2-165297109-A-G. GRCh37 (hg19) VCF-style: chr2-166153619-A-G.
Other names: c.360A>G, p.Lys120= (NM_001040143.2, NM_001371246.1, NM_001371247.1 and 1 more transcripts).
Identifiers: ClinVar variation 5041555 (VCV005041555.1).

ClinVar aggregate classification (germline): Uncertain significance (1 of 4 stars; one submission).

Submission:

CeGaT Center for Human Genetics Tuebingen
Classification: Uncertain significance. Last evaluated: 2026-09-01. Review status: criteria provided, single submitter. Criteria: CeGaT Center For Human Genetics Tuebingen Variant Classification Criteria Version 2. Collection method: clinical testing. Allele origin: germline. Affected: yes. Observed: 1 variant allele.
Comment: SCN2A: PM2:Supporting, BP4